The following is an entry in ClinVar:

ClinVar aggregate classification (germline): Uncertain significance (1 of 4 stars; one submission).

Conditions:
Fucosidosis. Also called: ALPHA-L-FUCOSIDASE DEFICIENCY. Identifiers: Orphanet 349, MedGen C0016788, MONDO:0009254, OMIM 230000.

Allele frequency attached by ClinVar (database versions not stated): gnomAD exomes below 0.00001; ExAC 0.00001; gnomAD 0.00001.

Submission:

Labcorp Genetics (formerly Invitae), Labcorp
Classification: Uncertain significance for Fucosidosis. Last evaluated: 2022-08-21. Review status: criteria provided, single submitter. Criteria: Invitae Variant Classification Sherloc (09022015). Collection method: clinical testing. Allele origin: germline.
Comment: This variant is present in population databases (rs749733115, gnomAD 0.002%). In summary, the available evidence is currently insufficient to determine the role of this variant in disease. Therefore, it has been classified as a Variant of Uncertain Significance. Algorithms developed to predict the effect of missense changes on protein structure and function are either unavailable or do not agree on the potential impact of this missense change (SIFT: "Deleterious"; PolyPhen-2: "Possibly Damaging"; Align-GVGD: "Class C0"). This variant has not been reported in the literature in individuals affected with FUCA1-related conditions. This sequence change replaces valine, which is neutral and non-polar, with isoleucine, which is neutral and non-polar, at codon 261 of the FUCA1 protein (p.Val261Ile).

NM_000147.5(FUCA1):c.781G>A (p.Val261Ile)

Gene: FUCA1 (alpha-L-fucosidase 1; minus strand). Cytogenetic location: 1p36.11.
Variant type: single nucleotide variant.
Coding change: c.781G>A on transcript NM_000147.5 (MANE Select); coding-DNA position 781, G replaced by A.
Protein change: p.Val261Ile; replaces valine 261 with isoleucine.
Molecular consequence: missense variant. On other transcripts: non-coding transcript variant (4).
Genome position (GRCh38, 1-based): chr1:23,854,548, C>T on the plus strand (G>A on the coding strand, the complement: FUCA1 is on the minus strand). VCF-style: chr1-23854548-C-T. GRCh37 (hg19) VCF-style: chr1-24181038-C-T.
Other names: short protein forms V261I.
Identifiers: ClinVar variation 2133819 (VCV002133819.4), dbSNP rs749733115, ClinGen allele CA686445.
Genomic context (GRCh38, chr1:23,854,548, plus strand): 5'-CTTCACAGTTATAGTATCCTCCATGGTGACAGGAACAGTTCTGACCCCATCGGTCATTTA[C>T]TACCACCTCATCCTAAGGAGGGAAAGAATATTTGGTCATGAGGAGTAAAACCACTTGACT-3'
Protein context (NP_000138.2, residues 251-271): NDSPVKDEVV[Val261Ile]NDRWGQNCSC